The following is an entry in ClinVar:

ClinVar aggregate classification (germline): Uncertain significance (1 of 4 stars; one submission).

Conditions:
Hereditary hyperekplexia. Identifiers: Orphanet 3197, MedGen C4084968, MONDO:0021022.

Allele frequency attached by ClinVar (database versions not stated): ExAC 0.00001; gnomAD exomes 0.00001; TOPMed 0.00002.
gnomAD v4.1: 13 of 1,613,876 alleles (0.00081%); highest among the groups gnomAD compares: Non-Finnish European, 0.0011%; no homozygotes.

Submission:

Labcorp Genetics (formerly Invitae), Labcorp
Classification: Uncertain significance for Hereditary hyperekplexia. Last evaluated: 2025-12-08. Review status: criteria provided, single submitter. Criteria: Invitae Variant Classification Sherloc (09022015). Collection method: clinical testing. Allele origin: germline.
Comment: This sequence change replaces isoleucine, which is neutral and non-polar, with valine, which is neutral and non-polar, at codon 421 of the GLRA1 protein (p.Ile421Val). This variant is present in population databases (rs778280697, gnomAD 0.003%). This variant has not been reported in the literature in individuals affected with GLRA1-related conditions. ClinVar contains an entry for this variant (Variation ID: 966930). Invitae Evidence Modeling of protein sequence and biophysical properties (such as structural, functional, and spatial information, amino acid conservation, physicochemical variation, residue mobility, and thermodynamic stability) indicates that this missense variant is not expected to disrupt GLRA1 protein function with a negative predictive value of 80%. In summary, the available evidence is currently insufficient to determine the role of this variant in disease. Therefore, it has been classified as a Variant of Uncertain Significance.

NM_000171.4(GLRA1):c.1261A>G (p.Ile421Val)

Gene: GLRA1 (glycine receptor alpha 1; minus strand). Cytogenetic location: 5q33.1.
Variant type: single nucleotide variant.
Coding change: c.1261A>G on transcript NM_000171.4 (MANE Select); coding-DNA position 1261, A replaced by G.
Protein change: p.Ile421Val; replaces isoleucine 421 with valine.
Molecular consequence: missense variant.
Genome position (GRCh38, 1-based): chr5:151,822,762, T>C on the plus strand (A>G on the coding strand, the complement: GLRA1 is on the minus strand). VCF-style: chr5-151822762-T-C. GRCh37 (hg19) VCF-style: chr5-151202323-T-C.
Other names: c.1285A>G, p.Ile429Val (NM_001146040.2); c.1012A>G, p.Ile338Val (NM_001292000.2); short protein forms I421V, I338V, I429V.
Identifiers: ClinVar variation 966930 (VCV000966930.9), dbSNP rs778280697, ClinGen allele CA3523468.